The following is an entry in ClinVar:

NM_001291867.2(NHS):c.1076T>G (p.Ile359Ser)

Gene: NHS (NHS actin remodeling regulator; plus strand). Cytogenetic location: Xp22.13.
Variant type: single nucleotide variant.
Coding change: c.1076T>G on transcript NM_001291867.2 (MANE Select); coding-DNA position 1076, T replaced by G.
Protein change: p.Ile359Ser; replaces isoleucine 359 with serine.
Molecular consequence: missense variant.
Genome position (GRCh38, 1-based): chrX:17,721,601, T>G. VCF-style: chrX-17721601-T-G. GRCh37 (hg19) VCF-style: chrX-17739721-T-G.
Other names: c.545T>G, p.Ile182Ser (NM_001136024.4); c.482T>G, p.Ile161Ser (NM_001291868.2); c.737T>G, p.Ile246Ser (NM_001440780.1); c.1013T>G, p.Ile338Ser (NM_198270.4); short protein forms I161S, I182S, I338S, I246S, I359S.
Identifiers: ClinVar variation 5007539 (VCV005007539.2).

ClinVar aggregate classification (germline): Uncertain significance (1 of 4 stars; one submission).

Conditions:
Nance-Horan syndrome (NHS). Identifiers: Orphanet 627, MedGen C0796085, MONDO:0010545, OMIM 302350.
Cataract 40 (CTRCT40). Also called: CATARACT, CONGENITAL TOTAL, WITH POSTERIOR SUTURAL OPACITIES IN HETEROZYGOTES; Cataract 40, X-linked; CATARACT 40 WITH OR WITHOUT MICROCORNEA. Identifiers: Orphanet 91492, MedGen C4049004, MONDO:0010544, OMIM 302200.

Submission:

Juno Genomics, Hangzhou Juno Genomics, Inc
Classification: Uncertain significance for Cataract 40; Nance-Horan syndrome. Review status: criteria provided, single submitter. Criteria: ACMG Guidelines, 2015. Collection method: clinical testing. Allele origin: germline.
Comment: Absent from controls (or at extremely low frequency if recessive) in Genome Aggregation Database.;Multiple lines of computational evidence support a deleterious effect on the gene or gene product.